The following is an entry in ClinVar:

ClinVar aggregate classification (germline): Uncertain significance (1 of 4 stars; one submission).

gnomAD v4.1: 3 of 1,613,814 alleles (0.00019%); highest among the groups gnomAD compares: Non-Finnish European, 0.00025%; no homozygotes.

Submission:

GeneDx
Classification: Uncertain significance. Last evaluated: 2026-04-01. Review status: criteria provided, single submitter. Criteria: GeneDx Variant Classification Process June 2021. Collection method: clinical testing. Allele origin: germline.
Comment: Not observed at significant frequency in large population cohorts (gnomAD); In silico analysis supports that this missense variant has a deleterious effect on protein structure/function; Has not been previously published as pathogenic or benign to our knowledge

NM_006567.5(FARS2):c.506A>G (p.Asp169Gly)

Genes: FARS2 (phenylalanyl-tRNA synthetase 2, mitochondrial; plus strand), LOC126859565 (CDK7 strongly-dependent group 2 enhancer GRCh37_chr6:5368745-5369944; plus strand). Cytogenetic location: 6p25.1.
Variant type: single nucleotide variant.
Coding change: c.506A>G on transcript NM_006567.5 (MANE Select); coding-DNA position 506, A replaced by G.
Protein change: p.Asp169Gly; replaces aspartic acid 169 with glycine.
Molecular consequence: missense variant. On other transcripts: intron variant (2).
Genome position (GRCh38, 1-based): chr6:5,369,076, A>G. VCF-style: chr6-5369076-A-G. GRCh37 (hg19) VCF-style: chr6-5369309-A-G.
Other names: c.-340-27557A>G (NM_001375260.1); c.-84-35466A>G (NM_001375259.1); c.506A>G, p.Asp169Gly (NM_001318872.2, NM_001374875.1, NM_001374876.1 and 5 more transcripts); short protein forms D169G.
Identifiers: ClinVar variation 5017196 (VCV005017196.1).